The following is an entry in ClinVar:

NM_004380.3(CREBBP):c.649G>A (p.Gly217Ser)

Gene: CREBBP (CREB binding protein; minus strand). Cytogenetic location: 16p13.3.
Variant type: single nucleotide variant.
Coding change: c.649G>A on transcript NM_004380.3 (MANE Select); coding-DNA position 649, G replaced by A.
Protein change: p.Gly217Ser; replaces glycine 217 with serine.
Molecular consequence: missense variant.
Genome position (GRCh38, 1-based): chr16:3,850,446, C>T on the plus strand (G>A on the coding strand, the complement: CREBBP is on the minus strand). VCF-style: chr16-3850446-C-T. GRCh37 (hg19) VCF-style: chr16-3900447-C-T.
Other names: c.649G>A, p.Gly217Ser (NM_001079846.1); short protein forms G217S.
Identifiers: ClinVar variation 1753883 (VCV001753883.2), dbSNP rs2141490516, ClinGen allele CA394559777.
Genomic context (GRCh38, chr16:3,850,446, plus strand): 5'-TGCTCGAGGCGCCCTGCATGGCTGGAGTAGGGTACGGCATTCCAGCTCCCCTTCCTCTGC[C>T]AGCAGCCCCAAGAGATCCATTCATGACTTGCGCCTGCCCTTGTGAAGCCTGATTAATTAA-3'
Protein context (NP_004371.2, residues 207-227): QVMNGSLGAA[Gly217Ser]RGRGAGMPYP

ClinVar aggregate classification (germline): Uncertain significance (1 of 4 stars; one submission).

Conditions:
Inborn genetic diseases. Identifiers: MedGen C0950123, MeSH D030342.

Submission:

Ambry Genetics
Classification: Uncertain significance for Inborn genetic diseases. Last evaluated: 2017-12-20. Review status: criteria provided, single submitter. Criteria: Ambry Variant Classification Scheme 2023. Collection method: clinical testing. Allele origin: germline.
Comment: The p.G217S variant (also known as c.649G>A), located in coding exon 2 of the CREBBP gene, results from a G to A substitution at nucleotide position 649. The glycine at codon 217 is replaced by serine, an amino acid with similar properties. This amino acid position is highly conserved in available vertebrate species. In addition, the in silico prediction for this alteration is inconclusive. Since supporting evidence is limited at this time, the clinical significance of this alteration remains unclear.